The following is an entry in ClinVar:

ClinVar aggregate classification (germline): Uncertain significance (1 of 4 stars; one submission).

Conditions:
Parathyroid carcinoma (PRTC). Also called: CDC73-Related Parathyroid Carcinoma; Parathyroid gland carcinoma. Identifiers: Orphanet 143, MedGen C0687150, MONDO:0012004, OMIM 608266, HP:0006780.

Submission:

Labcorp Genetics (formerly Invitae), Labcorp
Classification: Uncertain significance for Parathyroid carcinoma. Last evaluated: 2019-07-24. Review status: criteria provided, single submitter. Criteria: Invitae Variant Classification Sherloc (09022015). Collection method: clinical testing. Allele origin: germline.
Comment: This sequence change replaces tryptophan with arginine at codon 231 of the CDC73 protein (p.Trp231Arg). The tryptophan residue is highly conserved and there is a moderate physicochemical difference between tryptophan and arginine. In summary, this variant is a novel missense change with uncertain impact on protein function. It has been classified as a Variant of Uncertain Significance. Algorithms developed to predict the effect of missense changes on protein structure and function do not agree on the potential impact of this missense change (SIFT: "Tolerated"; PolyPhen-2: "Possibly Damaging"; Align-GVGD: "Class C0"). This variant is not present in population databases (ExAC no frequency) and has not been reported in the literature in individuals with a CDC73-related disease.

NM_024529.5(CDC73):c.691T>C (p.Trp231Arg)

Gene: CDC73 (cell division cycle 73; plus strand). Cytogenetic location: 1q31.2.
Variant type: single nucleotide variant.
Coding change: c.691T>C on transcript NM_024529.5 (MANE Select); coding-DNA position 691, T replaced by C.
Protein change: p.Trp231Arg; replaces tryptophan 231 with arginine.
Molecular consequence: missense variant.
Genome position (GRCh38, 1-based): chr1:193,142,028, T>C. VCF-style: chr1-193142028-T-C. GRCh37 (hg19) VCF-style: chr1-193111158-T-C.
Other names: short protein forms W231R.
Identifiers: ClinVar variation 403897 (VCV000403897.11), dbSNP rs1060500022, ClinGen allele CA16609976.